The following is an entry in ClinVar:

ClinVar aggregate classification (germline): Uncertain significance. Review status: criteria provided, multiple submitters, no conflicts (2 of 4 stars). 5 submissions from 5 submitters: Uncertain significance (4). 1 of the submissions does not count toward it. Last evaluated 2025-01-11.

Conditions:
Neuronal ceroid lipofuscinosis 1 (CLN1). Also called: CEROID LIPOFUSCINOSIS, NEURONAL, 1, VARIABLE AGE AT ONSET; PPT1-Related Neuronal Ceroid-Lipofuscinosis. Identifiers: Orphanet 228329, MedGen C1850451, MONDO:0009744, OMIM 256730.
Inborn genetic diseases. Identifiers: MedGen C0950123, MeSH D030342.

Allele frequency attached by ClinVar (database versions not stated): TOPMed 0.00001; ExAC 0.00002; gnomAD 0.00002 and 0.00003; gnomAD exomes 0.00002.
gnomAD v4.1: 31 of 1,614,064 alleles (0.0019%); highest among the groups gnomAD compares: Middle Eastern, 0.017%; no homozygotes.

Submissions (5):

Labcorp Genetics (formerly Invitae), Labcorp
Classification: Uncertain significance for Neuronal ceroid lipofuscinosis 1. Last evaluated: 2025-01-11. Review status: criteria provided, single submitter. Criteria: Invitae Variant Classification Sherloc (09022015). Collection method: clinical testing. Allele origin: germline.
Comment: This sequence change replaces valine, which is neutral and non-polar, with alanine, which is neutral and non-polar, at codon 139 of the PPT1 protein (p.Val139Ala). The frequency data for this variant in the population databases is considered unreliable, as metrics indicate poor data quality at this position in the gnomAD database. This variant has not been reported in the literature in individuals affected with PPT1-related conditions. ClinVar contains an entry for this variant (Variation ID: 875928). Invitae Evidence Modeling of protein sequence and biophysical properties (such as structural, functional, and spatial information, amino acid conservation, physicochemical variation, residue mobility, and thermodynamic stability) has been performed for this missense variant. However, the output from this modeling did not meet the statistical confidence thresholds required to predict the impact of this variant on PPT1 protein function. In summary, the available evidence is currently insufficient to determine the role of this variant in disease. Therefore, it has been classified as a Variant of Uncertain Significance.

GeneDx
Classification: Uncertain significance. Last evaluated: 2019-04-15. Review status: criteria provided, single submitter. Criteria: GeneDx Variant Classification Process June 2021. Collection method: clinical testing. Allele origin: germline. Affected: yes.
Comment: Not observed [at a significant frequency] in large population cohorts (Lek et al., 2016); Has not been previously published as pathogenic or benign to our knowledge

Ambry Genetics
Classification: Uncertain significance for Inborn genetic diseases. Last evaluated: 2018-08-18. Review status: criteria provided, single submitter. Criteria: Ambry Variant Classification Scheme 2023. Collection method: clinical testing. Allele origin: germline.
Comment: The p.V139A variant (also known as c.416T>C), located in coding exon 4 of the PPT1 gene, results from a T to C substitution at nucleotide position 416. The valine at codon 139 is replaced by alanine, an amino acid with similar properties. This amino acid position is not well conserved in available vertebrate species. In addition, the in silico prediction for this alteration is inconclusive. Since supporting evidence is limited at this time, the clinical significance of this alteration remains unclear.

Illumina Laboratory Services, Illumina
Classification: Uncertain significance for Neuronal ceroid lipofuscinosis 1. Last evaluated: 2017-04-27. Review status: criteria provided, single submitter. Criteria: ICSL Variant Classification Criteria 13 December 2019. Collection method: clinical testing. Allele origin: germline.
Comment: This variant was observed as part of a predisposition screen in an ostensibly healthy population. A literature search was performed for the gene, cDNA change, and amino acid change (where applicable). Publications were found based on this search. However, the evidence from the literature, in combination with allele frequency data from public databases where available, was not sufficient to rule this variant in or out of causing disease. Therefore, this variant is classified as a variant of unknown significance.

Natera, Inc.
Classification: Uncertain significance for Neuronal ceroid lipofuscinosis 1. Last evaluated: 2020-02-03. Review status: no assertion criteria provided. Collection method: clinical testing. Allele origin: germline. Not counted in ClinVar's aggregate classification.

Literature cited by the submitters: PubMed 12855696 (cited by Illumina Laboratory Services, Illumina).

NM_000310.4(PPT1):c.416T>C (p.Val139Ala)

Gene: PPT1 (palmitoyl-protein thioesterase 1; minus strand). Cytogenetic location: 1p34.2.
Variant type: single nucleotide variant.
Coding change: c.416T>C on transcript NM_000310.4 (MANE Select); coding-DNA position 416, T replaced by C.
Protein change: p.Val139Ala; replaces valine 139 with alanine.
Molecular consequence: missense variant. On other transcripts: intron variant (1).
Genome position (GRCh38, 1-based): chr1:40,091,346, A>G on the plus strand (T>C on the coding strand, the complement: PPT1 is on the minus strand). VCF-style: chr1-40091346-A-G. GRCh37 (hg19) VCF-style: chr1-40557018-A-G.
Other names: c.416T>C, p.Val139Ala (NM_001363695.2); c.125-1834T>C (NM_001142604.2); short protein forms V139A.
Identifiers: ClinVar variation 875928 (VCV000875928.16), dbSNP rs766961054, ClinGen allele CA789717.